The following is an entry in ClinVar:

ClinVar aggregate classification (germline): Likely benign. Review status: criteria provided, multiple submitters, no conflicts (2 of 4 stars). 2 submissions from 2 submitters: Likely benign (2). Last evaluated 2025-05-22.

Conditions:
H3-3A-related disorder. Also called: H3-3A-related condition.

Submissions (2):

PreventionGenetics, part of Exact Sciences
Classification: Likely benign for H3-3A-related condition. Last evaluated: 2025-05-22. Review status: criteria provided, single submitter. Criteria: ACMG Guidelines, 2015. Collection method: clinical testing. Allele origin: germline.
Comment: This variant is classified as likely benign based on ACMG/AMP sequence variant interpretation guidelines (Richards et al. 2015 PMID: 25741868, with internal and published modifications).

Blueprint Genetics
Classification: Likely benign. Last evaluated: 2024-09-02. Review status: criteria provided, single submitter. Criteria: ACMG Guidelines, 2015. Collection method: clinical testing. Allele origin: germline.

NM_002107.7(H3-3A):c.342T>C (p.His114=)

Gene: H3-3A (H3.3 histone A; plus strand). Cytogenetic location: 1q42.12.
Variant type: single nucleotide variant.
Coding change: c.342T>C on transcript NM_002107.7 (MANE Select); coding-DNA position 342, T replaced by C.
Protein change: p.His114=; no amino-acid change (histidine 114 retained).
Molecular consequence: synonymous variant.
Genome position (GRCh38, 1-based): chr1:226,071,410, T>C. VCF-style: chr1-226071410-T-C. GRCh37 (hg19) VCF-style: chr1-226259111-T-C.
Other names: c.342T>C (NM_002107.4); c.342T>C, p.His114= (NM_001379043.1, NM_001379045.1, NM_001379046.1 and 1 more transcripts).
Identifiers: ClinVar variation 4941846 (VCV004941846.2).
Genomic context (GRCh38, chr1:226,071,410, plus strand): 5'-GGAGGCAAGTGAGGCCTATCTGGTTGGCCTTTTTGAAGACACCAACCTGTGTGCTATCCA[T>C]GCCAAACGTGTAACAATTATGCCAAAAGACATCCAGCTAGCACGCCGCATACGTGGAGAA-3'
Protein context (NP_002098.1, residues 104-124): LFEDTNLCAI[His114=]AKRVTIMPKD